The following is an entry in ClinVar:

ClinVar aggregate classification (germline): Pathogenic (1 of 4 stars; one submission).

Conditions:
DYRK1A-related intellectual disability syndrome (MRD7). Also called: DYRK1A Syndrome; Intellectual developmental disorder, autosomal dominant 7. Identifiers: Orphanet 464306, MedGen C5568143, MONDO:0013578, OMIM 614104.

Submission:

Pittsburgh Clinical Genomics Laboratory, University of Pittsburgh Medical Center
Classification: Pathogenic for DYRK1A-related intellectual disability syndrome. Last evaluated: 2021-12-30. Review status: criteria provided, single submitter. Criteria: ACMG Guidelines, 2015. Collection method: clinical testing. Allele origin: germline. Inheritance: Autosomal dominant inheritance. Affected: yes.
Comment: This sequence variant is a deletion of 2 nucleotides (delAA) which results in an early termition codon 15 positions downstream of the frameshift introduced at codon 193. This variant is predicted to generate a non-functiol allele through either the expression of a truncated protein or a loss of DYRK1A expression due to nonsense-mediated decay. This is novel variant which has not been reported in clinical genetics databases or observed in the medical literature in individuals with DYRK1A-related disease, to our knowledge. This variant is absent from the gnomAD control population dataset (0/~236000 alleles). Loss of function variants in DYRK1A are known to be pathogenic. Based on the available evidence, we consider this variant to be pathogenic. ACMG Criteria: PM2, PS2, PVS1

NM_001347721.2(DYRK1A):c.550_551del (p.Lys184fs)

Gene: DYRK1A (dual specificity tyrosine phosphorylation regulated kinase 1A; plus strand). Cytogenetic location: 21q22.13.
Variant type: Deletion.
Coding change: c.550_551del on transcript NM_001347721.2 (MANE Select); coding-DNA positions 550 to 551, 2 bases deleted (AA; older notation c.550_551delAA).
Protein change: p.Lys184fs; shifts the reading frame from lysine 184.
Molecular consequence: frameshift variant.
Genome position (GRCh38, 1-based): chr21:37,486,527-37,486,528, AA deleted. VCF-style (leftmost placement, unchanged base first): chr21-37486526-CAA-C. GRCh37 (hg19) VCF-style: chr21-38858828-CAA-C.
Other names: c.550_551del, p.Lys184fs (NM_001347722.2, NM_130436.2); c.463_464del, p.Lys155fs (NM_001347723.2); c.577_578del, p.Lys193fs (NM_001396.5, NM_101395.2, NM_130438.2); short protein forms K155fs, K184fs, K193fs.
Identifiers: ClinVar variation 3376239 (VCV003376239.1).